The following is an entry in ClinVar:

ClinVar aggregate classification (germline): Uncertain significance (1 of 4 stars; one submission).

Submission:

Labcorp Genetics (formerly Invitae), Labcorp
Classification: Uncertain significance. Last evaluated: 2021-12-21. Review status: criteria provided, single submitter. Criteria: Invitae Variant Classification Sherloc (09022015). Collection method: clinical testing. Allele origin: germline.
Comment: This sequence change replaces valine, which is neutral and non-polar, with isoleucine, which is neutral and non-polar, at codon 515 of the SAMD11 protein (p.Val515Ile). The frequency data for this variant in the population databases is considered unreliable, as metrics indicate poor data quality at this position in the gnomAD database. This variant has not been reported in the literature in individuals affected with SAMD11-related conditions. Algorithms developed to predict the effect of missense changes on protein structure and function output the following: SIFT: "Tolerated"; PolyPhen-2: "Benign"; Align-GVGD: "Class C0". The isoleucine amino acid residue is found in multiple mammalian species, which suggests that this missense change does not adversely affect protein function. In summary, the available evidence is currently insufficient to determine the role of this variant in disease. Therefore, it has been classified as a Variant of Uncertain Significance.

NM_001385641.1(SAMD11):c.2032G>A (p.Val678Ile)

Gene: SAMD11 (sterile alpha motif domain containing 11; plus strand). Cytogenetic location: 1p36.33.
Variant type: single nucleotide variant.
Coding change: c.2032G>A on transcript NM_001385641.1 (MANE Select); coding-DNA position 2032, G replaced by A.
Protein change: p.Val678Ile; replaces valine 678 with isoleucine.
Molecular consequence: missense variant.
Genome position (GRCh38, 1-based): chr1:943,037, G>A. VCF-style: chr1-943037-G-A. GRCh37 (hg19) VCF-style: chr1-878417-G-A.
Other names: c.2035G>A, p.Val679Ile (NM_001385640.1); c.1543G>A, p.Val515Ile (NM_152486.4); short protein forms V515I, V678I, V679I.
Identifiers: ClinVar variation 2051955 (VCV002051955.1), dbSNP rs1194047459, ClinGen allele CA337813479.